The following is an entry in ClinVar:

NM_005732.4(RAD50):c.2887A>T (p.Asn963Tyr)

Gene: RAD50 (RAD50 double strand break repair protein; plus strand). Cytogenetic location: 5q31.1.
Variant type: single nucleotide variant.
Coding change: c.2887A>T on transcript NM_005732.4 (MANE Select); coding-DNA position 2887, A replaced by T.
Protein change: p.Asn963Tyr; replaces asparagine 963 with tyrosine.
Molecular consequence: missense variant.
Genome position (GRCh38, 1-based): chr5:132,609,174, A>T. VCF-style: chr5-132609174-A-T. GRCh37 (hg19) VCF-style: chr5-131944866-A-T.
Other names: short protein forms N963Y.
Identifiers: ClinVar variation 4149739 (VCV004149739.1).

ClinVar aggregate classification (germline): Uncertain significance (1 of 4 stars; one submission).

Conditions:
Hereditary cancer-predisposing syndrome. Also called: Hereditary neoplastic syndrome; Neoplastic Syndromes, Hereditary; Tumor predisposition; Hereditary Cancer Syndrome. Identifiers: Orphanet 140162, MedGen C0027672, MeSH D009386, MONDO:0015356.

Submission:

Ambry Genetics
Classification: Uncertain significance for Hereditary cancer-predisposing syndrome. Last evaluated: 2025-08-29. Review status: criteria provided, single submitter. Criteria: Ambry Variant Classification Scheme 2023. Collection method: clinical testing. Allele origin: germline.
Comment: The p.N963Y variant (also known as c.2887A>T), located in coding exon 18 of the RAD50 gene, results from an A to T substitution at nucleotide position 2887. The asparagine at codon 963 is replaced by tyrosine, an amino acid with dissimilar properties. This amino acid position is conserved. In addition, this alteration is predicted to be tolerated by in silico analysis. Based on the available evidence, the clinical significance of this variant remains unclear.